The following is an entry in ClinVar:

NC_000007.13:g.(?_80276057)_(83739925_?)del

Genes: SEMA3E (semaphorin 3E; minus strand), CACNA2D1 (calcium voltage-gated channel auxiliary subunit alpha2delta 1; minus strand), CD36 (CD36 molecule (CD36 blood group); plus strand), HGF (hepatocyte growth factor; minus strand), PCLO (piccolo presynaptic cytomatrix protein; minus strand) and 2 more. Cytogenetic location: 7q21.11.
Variant type: Deletion.
Identifiers: ClinVar variation 1454415 (VCV001454415.3).

ClinVar aggregate classification (germline): Pathogenic (1 of 4 stars; one submission).

Submission:

Labcorp Genetics (formerly Invitae), Labcorp
Classification: Pathogenic. Last evaluated: 2021-02-14. Review status: criteria provided, single submitter. Criteria: Invitae Variant Classification Sherloc (09022015). Collection method: clinical testing. Allele origin: germline.
Comment: A gross deletion of the genomic region encompassing the full coding sequence of the PCLO gene has been identified. Loss-of-function variants in PCLO are known to be pathogenic (PMID: 25832664, 30287594). The boundaries of this event are unknown as they extend beyond the assayed region for this gene and therefore may encompass additional genes. This variant has not been reported in the literature in individuals with PCLO-related conditions. For these reasons, this variant has been classified as Pathogenic.

Literature cited by the submitters: PubMed 25832664; PubMed 30287594.